The following is an entry in ClinVar:

NM_000136.3(FANCC):c.92A>G (p.Gln31Arg)

Gene: FANCC (FA complementation group C; minus strand). Cytogenetic location: 9q22.32.
Variant type: single nucleotide variant.
Coding change: c.92A>G on transcript NM_000136.3 (MANE Select); coding-DNA position 92, A replaced by G.
Protein change: p.Gln31Arg; replaces glutamine 31 with arginine.
Molecular consequence: missense variant.
Genome position (GRCh38, 1-based): chr9:95,249,200, T>C on the plus strand (A>G on the coding strand, the complement: FANCC is on the minus strand). VCF-style: chr9-95249200-T-C. GRCh37 (hg19) VCF-style: chr9-98011482-T-C.
Other names: c.92A>G, p.Gln31Arg (NM_001243743.2, NM_001243744.2); short protein forms Q31R.
Identifiers: ClinVar variation 1766471 (VCV001766471.2), dbSNP rs2542861508, ClinGen allele CA374340353.
Genomic context (GRCh38, chr9:95,249,200, plus strand): 5'-GCTTCATACATCTTCCTTAGGAACTCCTGGAACTGAGCCACGTGAAGACAGGTGTCTTGC[T>C]GGGTTTCCAAAGTGGAAGCCTGATCCCATACAGAAAGCTTCTGCATCCAAAACTGATAAT-3'
Protein context (NP_000127.2, residues 21-41): VWDQASTLET[Gln31Arg]QDTCLHVAQF

ClinVar aggregate classification (germline): Uncertain significance (1 of 4 stars; one submission).

Conditions:
Hereditary cancer-predisposing syndrome. Also called: Hereditary Cancer Syndrome; Hereditary neoplastic syndrome; Neoplastic Syndromes, Hereditary; Tumor predisposition. Identifiers: Orphanet 140162, MedGen C0027672, MeSH D009386, MONDO:0015356.

Submission:

Ambry Genetics
Classification: Uncertain significance for Hereditary cancer-predisposing syndrome. Last evaluated: 2021-08-09. Review status: criteria provided, single submitter. Criteria: Ambry Variant Classification Scheme 2023. Collection method: clinical testing. Allele origin: germline.
Comment: The p.Q31R variant (also known as c.92A>G), located in coding exon 1 of the FANCC gene, results from an A to G substitution at nucleotide position 92. The glutamine at codon 31 is replaced by arginine, an amino acid with highly similar properties. This amino acid position is conserved. In addition, the in silico prediction for this alteration is inconclusive. Since supporting evidence is limited at this time, the clinical significance of this alteration remains unclear.